The following is an entry in ClinVar:

ClinVar aggregate classification (germline): Uncertain significance (1 of 4 stars; one submission).

Conditions:
Hereditary cancer-predisposing syndrome. Also called: Hereditary Cancer Syndrome; Hereditary neoplastic syndrome; Tumor predisposition; Neoplastic Syndromes, Hereditary. Identifiers: Orphanet 140162, MedGen C0027672, MeSH D009386, MONDO:0015356.

Submission:

Ambry Genetics
Classification: Uncertain significance for Hereditary cancer-predisposing syndrome. Last evaluated: 2022-01-10. Review status: criteria provided, single submitter. Criteria: Ambry Variant Classification Scheme 2023. Collection method: clinical testing. Allele origin: germline.
Comment: The p.L790I variant (also known as c.2368C>A), located in coding exon 16 of the PDGFRA gene, results from a C to A substitution at nucleotide position 2368. The leucine at codon 790 is replaced by isoleucine, an amino acid with highly similar properties. This amino acid position is conserved. In addition, the in silico prediction for this alteration is inconclusive. Since supporting evidence is limited at this time, the clinical significance of this alteration remains unclear.

NM_006206.6(PDGFRA):c.2368C>A (p.Leu790Ile)

Gene: PDGFRA (platelet derived growth factor receptor alpha; plus strand). Cytogenetic location: 4q12.
Variant type: single nucleotide variant.
Coding change: c.2368C>A on transcript NM_006206.6 (MANE Select); coding-DNA position 2368, C replaced by A.
Protein change: p.Leu790Ile; replaces leucine 790 with isoleucine.
Molecular consequence: missense variant.
Genome position (GRCh38, 1-based): chr4:54,285,415, C>A. VCF-style: chr4-54285415-C-A. GRCh37 (hg19) VCF-style: chr4-55151582-C-A.
Other names: c.2443C>A, p.Leu815Ile (NM_001347828.2); c.2368C>A, p.Leu790Ile (NM_001347829.2); c.2407C>A, p.Leu803Ile (NM_001347830.2); short protein forms L803I, L815I, L790I.
Identifiers: ClinVar variation 1790243 (VCV001790243.2), dbSNP rs771661933, ClinGen allele CA356894673.
Genomic context (GRCh38, chr4:54,285,415, plus strand): 5'-AATTTCTTTTCTGCAGACTCAGAAGTCAAAAACCTCCTTTCAGATGATAACTCAGAAGGC[C>A]TTACTTTATTGGATTTGTTGAGCTTCACCTATCAAGTTGCCCGAGGAATGGAGTTTTTGG-3'
Protein context (NP_006197.1, residues 780-800): NLLSDDNSEG[Leu790Ile]TLLDLLSFTY